The following is an entry in ClinVar:

NM_001142800.2(EYS):c.9166_9167delinsCCTCCC (p.Ile3056fs)

Genes: EYS (EGF-like photoreceptor maintenance factor; minus strand), PHF3 (PHD finger protein 3; plus strand). Cytogenetic location: 6q12.
Variant type: Indel.
Coding change: c.9166_9167delinsCCTCCC on transcript NM_001142800.2 (MANE Select); coding-DNA positions 9166 to 9167, AT replaced by CCTCCC.
Protein change: p.Ile3056fs; shifts the reading frame from isoleucine 3056.
Molecular consequence: frameshift variant. On other transcripts: 3 prime UTR variant (5).
Genome position (GRCh38, 1-based): chr6:63,720,864-63,720,865, AT replaced by GGGAGG on the plus strand (AT replaced by CCTCCC on the coding strand, the reverse complement: EYS is on the minus strand). VCF-style: chr6-63720864-AT-GGGAGG. GRCh37 (hg19) VCF-style: chr6-64430760-AT-GGGAGG.
Other names: c.9166_9167delATinsCCTCCC (NM_001142800.1); c.9166_9167delinsCCTCCC (NM_001142800.1); c.*7156_*7157delinsGGGAGG (NM_001290259.2, NM_001370348.2, NM_001370349.2 and 2 more transcripts); c.9229_9230delinsCCTCCC, p.Ile3077fs (NM_001292009.2); short protein forms I3056fs, I3077fs.
Identifiers: ClinVar variation 1804961 (VCV001804961.2), dbSNP rs2533386765, ClinGen allele CA1139771233.

ClinVar aggregate classification (germline): Pathogenic/Likely pathogenic. Review status: criteria provided, multiple submitters, no conflicts (2 of 4 stars). 2 submissions from 2 submitters: Pathogenic (1); Likely pathogenic (1). Last evaluated 2025-04-09.

Conditions:
Retinitis pigmentosa 25 (RP25). Identifiers: Orphanet 791, MedGen C1864446, MONDO:0011272, OMIM 602772.

Submissions (2):

Natera, Inc.
Classification: Likely pathogenic for Retinitis pigmentosa type 25. Last evaluated: 2025-04-09. Review status: criteria provided, single submitter. Criteria: Natera Variant Classification Schema (03/2026). Collection method: clinical testing. Allele origin: germline.
Comment: The c.9166_9167delinsCCTCCC variant in EYS is a frameshift variant predicted to shift the reading frame beginning at codon 3056 and leads to a stop codon 8 codons downstream. This variant is expected to result in nonsense mediated decay, truncation, or a dysfunctional protein product. This variant is rare in the general population with a frequency below the threshold expected for the associated phenotype(s). Given the available evidence, this variant is classified as Likely Pathogenic.

Victorian Clinical Genetics Services, Murdoch Childrens Research Institute
Classification: Pathogenic for Retinitis pigmentosa 25. Last evaluated: 2021-05-06. Review status: criteria provided, single submitter. Criteria: ACMG Guidelines, 2015. Collection method: clinical testing. Allele origin: germline. Inheritance: Autosomal recessive inheritance.
Comment: Based on the classification scheme VCGS_Germline_v1.3.4, this variant is classified as Pathogenic. Following criteria are met: 0102 - Loss of function is a known mechanism of disease in this gene and is associated with retinitis pigmentosa 25 (MIM#602772). (I) 0106 - This gene is associated with autosomal recessive disease. (I) 0115 - Variants in this gene are known to have variable expressivity (PMID: 29159838). (I) 0205 - Variant is predicted to result in a truncated protein (premature termination codon is NOT located at least 54 nucleotides upstream of the final exon-exon junction) with less than 1/3 of the protein sequence affected. (SP) 0251 - This variant is heterozygous. (I) 0301 - Variant is absent from gnomAD (both v2 and v3). (SP) 0600 - Variant is located in the annotated C-terminal laminin G domain and will result in the truncation of most of this domain. (I) 0701 - Other truncated variants comparable to the one identified in this case have very strong previous evidence for pathogenicity (ClinVar, DECIPHER). (SP) 0807 - This variant has no previous evidence of pathogenicity. (I) 0905 - No published segregation evidence has been identified for this variant. (I) 1007 - No published functional evidence has been identified for this variant. (I) 1208 - Inheritance information for this variant is not currently available in this individual. (I) Legend: (SP) - Supporting pathogenic, (I) - Information, (SB) - Supporting benign

Literature cited by the submitters: PubMed 29159838 (cited by Victorian Clinical Genetics Services, Murdoch Childrens Research Institute).